The following is an entry in ClinVar:

ClinVar aggregate classification (germline): Uncertain significance (1 of 4 stars; one submission).

Submission:

Labcorp Genetics (formerly Invitae), Labcorp
Classification: Uncertain significance. Last evaluated: 2022-03-10. Review status: criteria provided, single submitter. Criteria: Invitae Variant Classification Sherloc (09022015). Collection method: clinical testing. Allele origin: germline.
Comment: In summary, the available evidence is currently insufficient to determine the role of this variant in disease. Therefore, it has been classified as a Variant of Uncertain Significance. Algorithms developed to predict the effect of missense changes on protein structure and function output the following: SIFT: "Deleterious"; PolyPhen-2: "Benign"; Align-GVGD: "Class C0". The methionine amino acid residue is found in multiple mammalian species, which suggests that this missense change does not adversely affect protein function. This variant has not been reported in the literature in individuals affected with PPP1R15B-related conditions. This variant is not present in population databases (gnomAD no frequency). This sequence change replaces threonine, which is neutral and polar, with methionine, which is neutral and non-polar, at codon 64 of the PPP1R15B protein (p.Thr64Met).

NM_032833.5(PPP1R15B):c.191C>T (p.Thr64Met)

Gene: PPP1R15B (protein phosphatase 1 regulatory subunit 15B; minus strand). Cytogenetic location: 1q32.1.
Variant type: single nucleotide variant.
Coding change: c.191C>T on transcript NM_032833.5 (MANE Select); coding-DNA position 191, C replaced by T.
Protein change: p.Thr64Met; replaces threonine 64 with methionine.
Molecular consequence: missense variant.
Genome position (GRCh38, 1-based): chr1:204,411,221, G>A on the plus strand (C>T on the coding strand, the complement: PPP1R15B is on the minus strand). VCF-style: chr1-204411221-G-A. GRCh37 (hg19) VCF-style: chr1-204380349-G-A.
Other names: short protein forms T64M.
Identifiers: ClinVar variation 2103262 (VCV002103262.4), dbSNP rs775640795, ClinGen allele CA344356535.
Genomic context (GRCh38, chr1:204,411,221, plus strand): 5'-CAAATTAGCACCTTCTGAAGCAATCCGGGGAGCGGCGCAAGGAGCTGGGAGAGCAGTTTC[G>A]TCCAGTAACTGACCCGAGTCTCGGGCTGGGCAGAGGAAAGCAGTGTGGGGTTCCCGGAGT-3'
Protein context (NP_116222.4, residues 54-74): AQPETRVSYW[Thr64Met]KLLSQLLAPL